The following is an entry in ClinVar:

NM_005609.4(PYGM):c.2009C>T (p.Ala670Val)

Gene: PYGM (glycogen phosphorylase, muscle associated; minus strand). Cytogenetic location: 11q13.1.
Variant type: single nucleotide variant.
Coding change: c.2009C>T on transcript NM_005609.4 (MANE Select); coding-DNA position 2009, C replaced by T.
Protein change: p.Ala670Val; replaces alanine 670 with valine.
Molecular consequence: missense variant.
Genome position (GRCh38, 1-based): chr11:64,750,544, G>A on the plus strand (C>T on the coding strand, the complement: PYGM is on the minus strand). VCF-style: chr11-64750544-G-A. GRCh37 (hg19) VCF-style: chr11-64518016-G-A.
Other names: p.Ala670Val; c.1745C>T, p.Ala582Val (NM_001164716.1); short protein forms A670V, A582V.
Identifiers: ClinVar variation 194748 (VCV000194748.70), dbSNP rs113806080, ClinGen allele CA201342.

ClinVar aggregate classification (germline): Benign/Likely benign. Review status: criteria provided, multiple submitters, no conflicts (2 of 4 stars). 13 submissions from 13 submitters: Benign (6); Likely benign (6). 1 of the submissions does not count toward it. Last evaluated 2026-09-01.

Conditions:
PYGM-related disorder. Also called: PYGM-related condition.
Glycogen storage disease, type V (GSD5). Also called: MUSCLE GLYCOGEN PHOSPHORYLASE DEFICIENCY; MYOPHOSPHORYLASE DEFICIENCY; MCARDLE DISEASE; PYGM DEFICIENCY; McArdle type glycogen storage disease. Identifiers: Orphanet 368, MedGen C0017924, MONDO:0009293, OMIM 232600.

Allele frequency attached by ClinVar (database versions not stated): 1000 Genomes Project 30x 0.00141; 1000 Genomes Project 0.00160; TOPMed 0.00263; ESP Exome Variant Server 0.00315; gnomAD 0.00429 and 0.00446; gnomAD exomes 0.00490.
gnomAD v4.1: 6,769 of 1,614,162 alleles (0.42%); highest among the groups gnomAD compares: Non-Finnish European, 0.42%; 25 homozygotes.

Submissions (13):

CeGaT Center for Human Genetics Tuebingen
Classification: Likely benign. Last evaluated: 2026-09-01. Review status: criteria provided, single submitter. Criteria: CeGaT Center For Human Genetics Tuebingen Variant Classification Criteria Version 2. Collection method: clinical testing. Allele origin: germline. Affected: yes. Observed: 15 variant alleles.
Comment: PYGM: PP3, BS2

Labcorp Genetics (formerly Invitae), Labcorp
Classification: Benign for Glycogen storage disease, type V. Last evaluated: 2026-01-29. Review status: criteria provided, single submitter. Criteria: Invitae Variant Classification Sherloc (09022015). Collection method: clinical testing. Allele origin: germline.

PreventionGenetics, part of Exact Sciences
Classification: Benign for PYGM-related condition. Last evaluated: 2025-09-11. Review status: criteria provided, single submitter. Criteria: ACMG Guidelines, 2015. Collection method: clinical testing. Allele origin: germline.
Comment: This variant is classified as benign based on ACMG/AMP sequence variant interpretation guidelines (Richards et al. 2015 PMID: 25741868, with internal and published modifications).

ARUP Laboratories, Molecular Genetics and Genomics, ARUP Laboratories
Classification: Benign for Glycogen storage disease, type V. Last evaluated: 2024-07-12. Review status: criteria provided, single submitter. Criteria: ARUP Molecular Germline Variant Investigation Process 2024. Collection method: clinical testing. Allele origin: germline.

Fulgent Genetics
Classification: Likely benign for Glycogen storage disease, type V. Last evaluated: 2021-12-14. Review status: criteria provided, single submitter. Criteria: ACMG Guidelines, 2015. Collection method: clinical testing. Allele origin: unknown.

Mayo Clinic Laboratories, Mayo Clinic
Classification: Benign. Last evaluated: 2021-04-05. Review status: criteria provided, single submitter. Criteria: ACMG Guidelines, 2015. Collection method: clinical testing. Allele origin: germline. Observed: 6 variant alleles.

GeneDx
Classification: Benign. Last evaluated: 2019-12-04. Review status: criteria provided, single submitter. Criteria: GeneDx Variant Classification Process June 2021. Collection method: clinical testing. Allele origin: germline. Affected: yes.
Comment: This variant is associated with the following publications: (PMID: 24503134, 20108426, 33111339)

Genetic Services Laboratory, University of Chicago
Classification: Likely benign. Last evaluated: 2019-08-15. Review status: criteria provided, single submitter. Criteria: ACMG Guidelines, 2015. Collection method: clinical testing. Allele origin: germline. Affected: no.

Mendelics
Classification: Benign for Glycogen storage disease, type V. Last evaluated: 2019-05-28. Review status: criteria provided, single submitter. Criteria: Mendelics Assertion Criteria 2017. Collection method: clinical testing. Allele origin: unknown.

Illumina Laboratory Services, Illumina
Classification: Likely benign for Glycogen storage disease, type V. Last evaluated: 2017-04-27. Review status: criteria provided, single submitter. Criteria: ICSL Variant Classification Criteria 13 December 2019. Collection method: clinical testing. Allele origin: germline.
Comment: This variant was observed as part of a predisposition screen in an ostensibly healthy population. A literature search was performed for the gene, cDNA change, and amino acid change (where applicable). No publications were found based on this search. Allele frequency data from public databases allowed determination this variant is unlikely to cause disease. Therefore, this variant is classified as likely benign.

Eurofins Ntd Llc (ga)
Classification: Likely benign. Last evaluated: 2014-12-11. Review status: criteria provided, single submitter. Criteria: EGL Classification Definitions 2015. Collection method: clinical testing. Allele origin: germline. Observed: 2 variant alleles, 2 heterozygotes.

Breakthrough Genomics
Classification: Likely benign. Review status: criteria provided, single submitter. Criteria: ACMG Guidelines, 2015. Collection method: not provided. Allele origin: germline. Inheritance: Autosomal recessive inheritance. Affected: yes.

Natera, Inc.
Classification: Benign for Glycogen storage disease V. Last evaluated: 2020-04-14. Review status: no assertion criteria provided. Collection method: clinical testing. Allele origin: germline. Not counted in ClinVar's aggregate classification.

Literature cited by the submitters: PubMed 24503134 (cited by Eurofins Ntd Llc (ga)).